The following is an entry in ClinVar:

NM_000051.4(ATM):c.2867G>T (p.Gly956Val)

Gene: ATM (ATM serine/threonine kinase; plus strand). Cytogenetic location: 11q22.3.
Variant type: single nucleotide variant.
Coding change: c.2867G>T on transcript NM_000051.4 (MANE Select); coding-DNA position 2867, G replaced by T.
Protein change: p.Gly956Val; replaces glycine 956 with valine.
Molecular consequence: missense variant.
Genome position (GRCh38, 1-based): chr11:108,271,092, G>T. VCF-style: chr11-108271092-G-T. GRCh37 (hg19) VCF-style: chr11-108141819-G-T.
Other names: c.2867G>T, p.Gly956Val (NM_001351834.2); short protein forms G956V.
Identifiers: ClinVar variation 3449771 (VCV003449771.1).

ClinVar aggregate classification (germline): Uncertain significance (1 of 4 stars; one submission).

Conditions:
Hereditary cancer-predisposing syndrome. Also called: Tumor predisposition; Neoplastic Syndromes, Hereditary; Hereditary neoplastic syndrome; Hereditary Cancer Syndrome. Identifiers: Orphanet 140162, MedGen C0027672, MeSH D009386, MONDO:0015356.

Submission:

Ambry Genetics
Classification: Uncertain significance for Hereditary cancer-predisposing syndrome. Last evaluated: 2024-07-03. Review status: criteria provided, single submitter. Criteria: Ambry Variant Classification Scheme 2023. Collection method: clinical testing. Allele origin: germline.
Comment: The p.G956V variant (also known as c.2867G>T), located in coding exon 18 of the ATM gene, results from a G to T substitution at nucleotide position 2867. The glycine at codon 956 is replaced by valine, an amino acid with dissimilar properties. This amino acid position is not well conserved in available vertebrate species. In addition, this alteration is predicted to be tolerated by in silico analysis. Based on the available evidence, the clinical significance of this variant remains unclear.